The following is an entry in ClinVar:

ClinVar aggregate classification (germline): Likely pathogenic (1 of 4 stars; one submission).

Allele frequency attached by ClinVar (database versions not stated): gnomAD exomes below 0.00001; TOPMed below 0.00001.
gnomAD v4.1: 17 of 1,614,026 alleles (0.0011%); highest among the groups gnomAD compares: Non-Finnish European, 0.0014%; no homozygotes.

Submission:

GeneDx
Classification: Likely pathogenic. Last evaluated: 2020-07-12. Review status: criteria provided, single submitter. Criteria: GeneDx Variant Classification (06012015). Collection method: clinical testing. Allele origin: germline. Affected: yes.

NM_004713.6(NEMF):c.2777C>T (p.Pro926Leu)

Gene: NEMF (nuclear export mediator factor; minus strand). Cytogenetic location: 14q21.3.
Variant type: single nucleotide variant.
Coding change: c.2777C>T on transcript NM_004713.6 (MANE Select); coding-DNA position 2777, C replaced by T.
Protein change: p.Pro926Leu; replaces proline 926 with leucine.
Molecular consequence: missense variant.
Genome position (GRCh38, 1-based): chr14:49,789,264, G>A on the plus strand (C>T on the coding strand, the complement: NEMF is on the minus strand). VCF-style: chr14-49789264-G-A. GRCh37 (hg19) VCF-style: chr14-50255982-G-A.
Other names: c.2714C>T, p.Pro905Leu (NM_001301732.3); short protein forms P905L, P926L.
Identifiers: ClinVar variation 973823 (VCV000973823.1), dbSNP rs1239857520, ClinGen allele CA389614632.